The following is an entry in ClinVar:

ClinVar aggregate classification (germline): Likely benign. Review status: criteria provided, multiple submitters, no conflicts (2 of 4 stars). 3 submissions from 3 submitters: Likely benign (3). Last evaluated 2026-02-16.

Conditions:
MYO18B-related disorder. Also called: MYO18B-related condition.

gnomAD v4.1: 43 of 1,607,212 alleles (0.0027%); highest among the groups gnomAD compares: Middle Eastern, 0.016%; 1 homozygote.

Submissions (3):

PreventionGenetics, part of Exact Sciences
Classification: Likely benign for MYO18B-related condition. Last evaluated: 2026-02-16. Review status: criteria provided, single submitter. Criteria: ACMG Guidelines, 2015. Collection method: clinical testing. Allele origin: germline.
Comment: This variant is classified as likely benign based on ACMG/AMP sequence variant interpretation guidelines (Richards et al. 2015 PMID: 25741868, with internal and published modifications).

Labcorp Genetics (formerly Invitae), Labcorp
Classification: Likely benign. Last evaluated: 2025-01-08. Review status: criteria provided, single submitter. Criteria: Invitae Variant Classification Sherloc (09022015). Collection method: clinical testing. Allele origin: germline.

Blueprint Genetics
Classification: Likely benign. Last evaluated: 2024-11-14. Review status: criteria provided, single submitter. Criteria: ACMG Guidelines, 2015. Collection method: clinical testing. Allele origin: germline.

NM_032608.7(MYO18B):c.549C>T (p.Pro183=)

Gene: MYO18B (myosin XVIIIB; plus strand). Cytogenetic location: 22q12.1.
Variant type: single nucleotide variant.
Coding change: c.549C>T on transcript NM_032608.7 (MANE Select); coding-DNA position 549, C replaced by T.
Protein change: p.Pro183=; no amino-acid change (proline 183 retained).
Molecular consequence: synonymous variant.
Genome position (GRCh38, 1-based): chr22:25,768,465, C>T. VCF-style: chr22-25768465-C-T. GRCh37 (hg19) VCF-style: chr22-26164432-C-T.
Other names: c.549C>T, p.Pro183= (NM_001318245.2); c.549C>T (NM_032608.6).
Identifiers: ClinVar variation 2187474 (VCV002187474.6), dbSNP rs41281573, ClinGen allele CA10159637.